The following is an entry in ClinVar:

NM_033022.4(RPS24):c.177A>G (p.Gly59=)

Gene: RPS24 (ribosomal protein S24; plus strand). Cytogenetic location: 10q22.3.
Variant type: single nucleotide variant.
Coding change: c.177A>G on transcript NM_033022.4 (MANE Select); coding-DNA position 177, A replaced by G.
Protein change: p.Gly59=; no amino-acid change (glycine 59 retained).
Molecular consequence: synonymous variant.
Genome position (GRCh38, 1-based): chr10:78,035,618, A>G. VCF-style: chr10-78035618-A-G. GRCh37 (hg19) VCF-style: chr10-79795376-A-G.
Other names: c.177A>G (NM_001142285.1); c.177A>G, p.Gly59= (NM_001026.5, NM_001142282.2, NM_001142283.2 and 2 more transcripts).
Identifiers: ClinVar variation 301093 (VCV000301093.51), dbSNP rs6496, ClinGen allele CA5571959.

ClinVar aggregate classification (germline): Benign/Likely benign. Review status: criteria provided, multiple submitters, no conflicts (2 of 4 stars). 9 submissions from 9 submitters: Benign (5); Likely benign (3). 1 of the submissions does not count toward it. Last evaluated 2026-03-01.

Conditions:
Diamond-Blackfan anemia. Also called: Red cell aplasia, pure hereditary; Congenital hypoplastic anemia; Aase syndrome; Blackfan Diamond syndrome; Aregenerative anemia chronic congenital. Identifiers: Orphanet 124, MedGen C1260899, MeSH D029503, MONDO:0015253, HP:0004810.
RPS24-related disorder. Also called: RPS24-related condition.
Diamond-Blackfan anemia 3 (DBA3). Also called: RPS24-Related Diamond-Blackfan Anemia. Identifiers: Orphanet 124, MedGen C1857719, MONDO:0012529, OMIM 610629.

Allele frequency attached by ClinVar (database versions not stated): 1000 Genomes Project 30x 0.00406; 1000 Genomes Project 0.00419; ExAC 0.00544; gnomAD exomes 0.00546 and 0.00932; gnomAD 0.00614 and 0.00736; ESP Exome Variant Server 0.00761; TOPMed 0.00830.
gnomAD v4.1: 14,584 of 1,612,344 alleles (0.9%); highest among the groups gnomAD compares: Non-Finnish European, 1.1%; 116 homozygotes.

Submissions (9):

CeGaT Center for Human Genetics Tuebingen
Classification: Benign. Last evaluated: 2026-03-01. Review status: criteria provided, single submitter. Criteria: CeGaT Center For Human Genetics Tuebingen Variant Classification Criteria Version 2. Collection method: clinical testing. Allele origin: germline. Affected: yes. Observed: 10 variant alleles.
Comment: RPS24: BP4, BP7, BS1, BS2

Labcorp Genetics (formerly Invitae), Labcorp
Classification: Benign for Diamond-Blackfan anemia. Last evaluated: 2026-01-30. Review status: criteria provided, single submitter. Criteria: Invitae Variant Classification Sherloc (09022015). Collection method: clinical testing. Allele origin: germline.

ARUP Laboratories, Molecular Genetics and Genomics, ARUP Laboratories
Classification: Benign for Diamond-Blackfan anemia 3. Last evaluated: 2025-07-03. Review status: criteria provided, single submitter. Criteria: ARUP Molecular Germline Variant Investigation Process 2024. Collection method: clinical testing. Allele origin: germline.

Blueprint Genetics
Classification: Likely benign. Last evaluated: 2024-11-27. Review status: criteria provided, single submitter. Criteria: ACMG Guidelines, 2015. Collection method: clinical testing. Allele origin: germline.

Fulgent Genetics
Classification: Benign for Diamond-Blackfan anemia 3. Last evaluated: 2021-10-18. Review status: criteria provided, single submitter. Criteria: ACMG Guidelines, 2015. Collection method: clinical testing. Allele origin: unknown.

GeneDx
Classification: Likely benign. Last evaluated: 2021-03-29. Review status: criteria provided, single submitter. Criteria: GeneDx Variant Classification Process June 2021. Collection method: clinical testing. Allele origin: germline. Affected: yes.

Illumina Laboratory Services, Illumina
Classification: Benign for Diamond-Blackfan anemia 3. Last evaluated: 2018-01-12. Review status: criteria provided, single submitter. Criteria: ICSL Variant Classification Criteria 13 December 2019. Collection method: clinical testing. Allele origin: germline.
Comment: This variant was observed in the ICSL laboratory as part of a predisposition screen in an ostensibly healthy population. It had not been previously curated by ICSL or reported in the Human Gene Mutation Database (HGMD: prior to June 1st, 2018), and was therefore a candidate for classification through an automated scoring system. Utilizing variant allele frequency, disease prevalence and penetrance estimates, and inheritance mode, an automated score was calculated to assess if this variant is too frequent to cause the disease. Based on the score and internal cut-off values, a variant classified as benign is not then subjected to further curation. The score for this variant resulted in a classification of benign for this disease.

Breakthrough Genomics
Classification: Likely benign. Review status: criteria provided, single submitter. Criteria: ACMG Guidelines, 2015. Collection method: not provided. Allele origin: germline. Inheritance: Autosomal dominant inheritance. Affected: yes.

PreventionGenetics, part of Exact Sciences
Classification: Likely benign for RPS24-related condition. Last evaluated: 2020-03-17. Review status: no assertion criteria provided. Collection method: clinical testing. Allele origin: germline. Not counted in ClinVar's aggregate classification.
Comment: This variant is classified as likely benign based on ACMG/AMP sequence variant interpretation guidelines (Richards et al. 2015 PMID: 25741868, with internal and published modifications).